The following is an entry in ClinVar:

NM_004260.4(RECQL4):c.2351G>C (p.Arg784Pro)

Gene: RECQL4 (RecQ like helicase 4; minus strand). Cytogenetic location: 8q24.3.
Variant type: single nucleotide variant.
Coding change: c.2351G>C on transcript NM_004260.4 (MANE Select); coding-DNA position 2351, G replaced by C.
Protein change: p.Arg784Pro; replaces arginine 784 with proline.
Molecular consequence: missense variant.
Genome position (GRCh38, 1-based): chr8:144,513,330, C>G on the plus strand (G>C on the coding strand, the complement: RECQL4 is on the minus strand). VCF-style: chr8-144513330-C-G. GRCh37 (hg19) VCF-style: chr8-145738713-C-G.
Other names: short protein forms R784P.
Identifiers: ClinVar variation 568317 (VCV000568317.5), dbSNP rs536096413, ClinGen allele CA372678299.

ClinVar aggregate classification (germline): Uncertain significance (1 of 4 stars; one submission).

Conditions:
Baller-Gerold syndrome (BGS). Also called: CRANIOSYNOSTOSIS WITH RADIAL DEFECTS. Identifiers: Orphanet 1225, MedGen C0265308, MONDO:0009039, OMIM 218600.

Submission:

Labcorp Genetics (formerly Invitae), Labcorp
Classification: Uncertain significance for Baller-Gerold syndrome. Last evaluated: 2022-09-19. Review status: criteria provided, single submitter. Criteria: Invitae Variant Classification Sherloc (09022015). Collection method: clinical testing. Allele origin: germline.
Comment: This variant is not present in population databases (gnomAD no frequency). This sequence change replaces arginine, which is basic and polar, with proline, which is neutral and non-polar, at codon 784 of the RECQL4 protein (p.Arg784Pro). This variant has not been reported in the literature in individuals affected with RECQL4-related conditions. In summary, the available evidence is currently insufficient to determine the role of this variant in disease. Therefore, it has been classified as a Variant of Uncertain Significance. ClinVar contains an entry for this variant (Variation ID: 568317).